The following is an entry in ClinVar:

NM_000181.4(GUSB):c.1789+9C>T

Gene: GUSB (glucuronidase beta; minus strand). Cytogenetic location: 7q11.21.
Variant type: single nucleotide variant.
Coding change: c.1789+9C>T on transcript NM_000181.4 (MANE Select); 9 bases into the intron after coding-DNA position 1789, C replaced by T.
Molecular consequence: intron variant.
Genome position (GRCh38, 1-based): chr7:65,964,314, G>A on the plus strand (C>T on the coding strand, the complement: GUSB is on the minus strand). VCF-style: chr7-65964314-G-A. GRCh37 (hg19) VCF-style: chr7-65429301-G-A.
Other names: c.1132+9C>T (NM_001293105.2); c.1219+9C>T (NM_001293104.2); c.1351+9C>T (NM_001284290.2).
Identifiers: ClinVar variation 798263 (VCV000798263.11), dbSNP rs545446158, ClinGen allele CA4276187.
Genomic context (GRCh38, chr7:65,964,314, plus strand): 5'-CAGAATTGGAAAGGCAACCTGAAAAAATGAGGACGGGTACGTTATCCCATGAGCCAAACT[G>A]CCACTTACACTGTTCAGTCATGAAATCGGCAAAATTCCAAATGAGCTCTCCAACCACGTA-3'

ClinVar aggregate classification (germline): Likely benign. Review status: criteria provided, multiple submitters, no conflicts (2 of 4 stars). 2 submissions from 2 submitters: Likely benign (2). Last evaluated 2025-11-16.

Conditions:
GUSB-related disorder. Also called: GUSB-related condition.
Mucopolysaccharidosis type 7 (MPS7). Also called: BETA-GLUCURONIDASE DEFICIENCY; MPS VII; GUSB DEFICIENCY; SLY SYNDROME. Identifiers: Orphanet 584, MedGen C0085132, MONDO:0009662, OMIM 253220.

Allele frequency attached by ClinVar (database versions not stated): gnomAD exomes 0.00001 and 0.00008; TOPMed 0.00002; gnomAD 0.00004 and 0.00005; ExAC 0.00007; 1000 Genomes Project 0.00040; 1000 Genomes Project 30x 0.00047.

Submissions (3):

Labcorp Genetics (formerly Invitae), Labcorp
Classification: Likely benign for Mucopolysaccharidosis type 7. Last evaluated: 2025-11-16. Review status: criteria provided, single submitter. Criteria: Invitae Variant Classification Sherloc (09022015). Collection method: clinical testing. Allele origin: germline.

PreventionGenetics, part of Exact Sciences
Classification: Likely benign for GUSB-related condition. Last evaluated: 2025-08-04. Review status: criteria provided, single submitter. Criteria: ACMG Guidelines, 2015. Collection method: clinical testing. Allele origin: germline.
Comment: This variant is classified as likely benign based on ACMG/AMP sequence variant interpretation guidelines (Richards et al. 2015 PMID: 25741868, with internal and published modifications).

Dr. Peter K. Rogan Lab, Western University
No classification provided (evidence only). Condition: Familial cancer of breast. Review status: no classification provided. Collection method: in vitro. Allele origin: not applicable. Functional consequence: retained intron. Not counted in ClinVar's aggregate classification.